The following is an entry in ClinVar:

NM_177438.3(DICER1):c.316del (p.Val106fs)

Gene: DICER1 (dicer 1, ribonuclease III; minus strand). Cytogenetic location: 14q32.13.
Variant type: Deletion.
Coding change: c.316del on transcript NM_177438.3 (MANE Select); coding-DNA position 316, one base deleted (G; older notation c.316delG).
Protein change: p.Val106fs; shifts the reading frame from valine 106.
Molecular consequence: frameshift variant. On other transcripts: 5 prime UTR variant (2), non-coding transcript variant (5), intron variant (6).
Genome position (GRCh38, 1-based): chr14:95,131,631, C deleted on the plus strand (G on the coding strand, the reverse complement: DICER1 is on the minus strand); the first of 2 consecutive C bases (chr14:95,131,631-95,131,632); deleting either gives the same sequence. VCF-style (leftmost placement, unchanged base first): chr14-95131630-AC-A. GRCh37 (hg19) VCF-style: chr14-95597967-AC-A.
Other names: c.316del, p.Val106fs (NM_001195573.1, NM_001271282.3, NM_001291628.2 and 14 more transcripts); c.-143del (NM_001395691.1); c.-1253del (NM_001395697.1); c.33+884del (NM_001395690.1, NM_001395687.1, NM_001395689.1 and 3 more transcripts); short protein forms V106fs.
Identifiers: ClinVar variation 3602775 (VCV003602775.2).

ClinVar aggregate classification (germline): Pathogenic (1 of 4 stars; one submission).

Conditions:
DICER1-related tumor predisposition. Also called: DICER1 syndrome; DICER1-related pleuropulmonary blastoma cancer predisposition syndrome. Identifiers: Orphanet 284343, MedGen C3839822, MONDO:0100216.

Submission:

Department of Clinical Genetics, Copenhagen University Hospital, Rigshospitalet
Classification: Pathogenic for DICER1-related tumor predisposition. Last evaluated: 2025-01-24. Review status: criteria provided, single submitter. Criteria: ACMG Guidelines, 2015. Collection method: clinical testing. Allele origin: germline.
Comment: The following ACMG criteria have been used in classification: PM2_SUP; PVS1; PS4_SUP

Literature cited by the submitters: PubMed 34552563.